The following is an entry in ClinVar:

ClinVar aggregate classification (germline): Uncertain significance. Review status: criteria provided, multiple submitters, no conflicts (2 of 4 stars). 2 submissions from 2 submitters: Uncertain significance (2). Last evaluated 2024-11-08.

Conditions:
Hereditary spastic paraplegia 28. Also called: Spastic paraplegia 28, autosomal recessive. Identifiers: Orphanet 101008, MedGen C1836295, MONDO:0012256, OMIM 609340.
Inborn genetic diseases. Identifiers: MedGen C0950123, MeSH D030342.

Allele frequency attached by ClinVar (database versions not stated): TOPMed below 0.00001; gnomAD 0.00001; gnomAD exomes 0.00001.
gnomAD v4.1: 9 of 1,605,806 alleles (0.00056%); highest among the groups gnomAD compares: Admixed American, 0.01%; no homozygotes.

Submissions (2):

Ambry Genetics
Classification: Uncertain significance for Inborn genetic diseases. Last evaluated: 2024-11-08. Review status: criteria provided, single submitter. Criteria: Ambry Variant Classification Scheme 2023. Collection method: clinical testing. Allele origin: germline.

Labcorp Genetics (formerly Invitae), Labcorp
Classification: Uncertain significance for Hereditary spastic paraplegia 28. Last evaluated: 2021-09-01. Review status: criteria provided, single submitter. Criteria: Invitae Variant Classification Sherloc (09022015). Collection method: clinical testing. Allele origin: germline.
Comment: This sequence change replaces arginine with histidine at codon 288 of the DDHD1 protein (p.Arg288His). The arginine residue is highly conserved and there is a small physicochemical difference between arginine and histidine. This variant is not present in population databases (ExAC no frequency). This missense change has been observed in individual(s) with spastic paraparesis (Invitae). Algorithms developed to predict the effect of missense changes on protein structure and function are either unavailable or do not agree on the potential impact of this missense change (SIFT: "Tolerated"; PolyPhen-2: "Probably Damaging"; Align-GVGD: "Class C0"). In summary, the available evidence is currently insufficient to determine the role of this variant in disease. Therefore, it has been classified as a Variant of Uncertain Significance.

NM_001160148.2(DDHD1):c.863G>A (p.Arg288His)

Gene: DDHD1 (DDHD domain containing 1; minus strand). Cytogenetic location: 14q22.1.
Variant type: single nucleotide variant.
Coding change: c.863G>A on transcript NM_001160148.2 (MANE Select); coding-DNA position 863, G replaced by A.
Protein change: p.Arg288His; replaces arginine 288 with histidine.
Molecular consequence: missense variant.
Genome position (GRCh38, 1-based): chr14:53,103,832, C>T on the plus strand (G>A on the coding strand, the complement: DDHD1 is on the minus strand). VCF-style: chr14-53103832-C-T. GRCh37 (hg19) VCF-style: chr14-53570550-C-T.
Other names: c.863G>A, p.Arg288His (NM_001160147.2, NM_030637.3); c.863G>A (NM_001160148.1); short protein forms R288H.
Identifiers: ClinVar variation 575789 (VCV000575789.7), dbSNP rs904259357, ClinGen allele CA261000434.